The following is an entry in ClinVar:

NM_000535.7(PMS2):c.892_893insT (p.Asp298fs)

Gene: PMS2 (PMS1 homolog 2, mismatch repair system component; minus strand). Cytogenetic location: 7p22.1.
Variant type: Insertion.
Coding change: c.892_893insT on transcript NM_000535.7 (MANE Select); coding-DNA positions 892 to 893, T inserted.
Protein change: p.Asp298fs; shifts the reading frame from aspartic acid 298.
Molecular consequence: frameshift variant. On other transcripts: 5 prime UTR variant (2), non-coding transcript variant (1), intron variant (4).
Genome position: GRCh38 VCF-style: chr7-5995544-T-TA. GRCh37 (hg19) VCF-style: chr7-6035175-T-TA.
Other names: c.487_488insT, p.Asp163Valfs (NM_001018040.1); c.487_488insT, p.Asp163fs (NM_001322003.2, NM_001322004.2, NM_001322005.2 and 19 more transcripts); c.892_893insT, p.Asp298fs (NM_001322006.2, NM_001322014.2, NM_001406870.1 and 2 more transcripts); c.574_575insT, p.Asp192fs (NM_001322007.2, NM_001322008.2, NM_001406876.1 and 4 more transcripts); c.-42_-41insT (NM_001322011.2, NM_001322012.2); c.319_320insT, p.Asp107fs (NM_001322013.2, NM_001406909.1); c.583_584insT, p.Asp195fs (NM_001322015.2, NM_001406875.1, NM_001406877.1 and 6 more transcripts); c.1078_1079insT, p.Asp360fs (NM_001406866.1); and 9 more; short protein forms D163fs, D306fs, D127fs, D242fs, D107fs, D192fs, D262fs, D360fs.
Identifiers: ClinVar variation 2566064 (VCV002566064.2), dbSNP rs2536141636, ClinGen allele CA2580615844.

ClinVar aggregate classification (germline): Pathogenic (1 of 4 stars; one submission).

Conditions:
Hereditary cancer-predisposing syndrome. Also called: Neoplastic Syndromes, Hereditary; Hereditary Cancer Syndrome; Hereditary neoplastic syndrome; Tumor predisposition. Identifiers: Orphanet 140162, MedGen C0027672, MeSH D009386, MONDO:0015356.

Submission:

Ambry Genetics
Classification: Pathogenic for Hereditary cancer-predisposing syndrome. Last evaluated: 2023-03-28. Review status: criteria provided, single submitter. Criteria: Ambry Variant Classification Scheme 2023. Collection method: clinical testing. Allele origin: germline.
Comment: The c.892_893insT pathogenic mutation, located in coding exon 8 of the PMS2 gene, results from an insertion of one nucleotide at position 892, causing a translational frameshift with a predicted alternate stop codon (p.D298Vfs*11). This variant is considered to be rare based on population cohorts in the Genome Aggregation Database (gnomAD). This alteration is expected to result in loss of function by premature protein truncation or nonsense-mediated mRNA decay. As such, this alteration is interpreted as a disease-causing mutation.